The following is an entry in ClinVar:

ClinVar aggregate classification (germline): Likely pathogenic. Review status: criteria provided, multiple submitters, no conflicts (2 of 4 stars). 2 submissions from 2 submitters: Likely pathogenic (2). Last evaluated 2023-05-23.

Conditions:
Hereditary cancer-predisposing syndrome. Also called: Neoplastic Syndromes, Hereditary; Tumor predisposition; Hereditary Cancer Syndrome; Hereditary neoplastic syndrome. Identifiers: Orphanet 140162, MedGen C0027672, MeSH D009386, MONDO:0015356.
Familial cancer of breast. Also called: BREAST CANCER, FAMILIAL; Hereditary breast cancer; hereditary breast carcinoma. Identifiers: Orphanet 227535, MedGen C0346153, MONDO:0016419, OMIM 114480. Disease mechanism: loss of function.

Submissions (2):

Myriad Genetics, Inc.
Classification: Likely pathogenic for Familial cancer of breast. Last evaluated: 2023-05-23. Review status: criteria provided, single submitter. Criteria: Myriad Autosomal Dominant, Autosomal Recessive and X-Linked Classification Criteria (2023). Collection method: clinical testing. Allele origin: unknown.
Comment: This variant is considered likely pathogenic. This variant occurs within a consensus splice junction and is predicted to result in abnormal mRNA splicing of either an out-of-frame exon or an in-frame exon necessary for protein stability and/or normal function.

Ambry Genetics
Classification: Likely pathogenic for Hereditary cancer-predisposing syndrome. Last evaluated: 2017-05-05. Review status: criteria provided, single submitter. Criteria: Ambry Variant Classification Scheme 2023. Collection method: clinical testing. Allele origin: germline.
Comment: The c.1568+2T>C intronic variant results from a T to C substitution two nucleotides after coding exon 6 in the BARD1 gene. Using the BDGP and ESEfinder splice site prediction tools, this alteration is predicted to abolish the native splice donor site; however, direct evidence is unavailable. Alterations that disrupt the canonical splice site are expected to cause aberrant splicing, resulting in an abnormal protein or a transcript that is subject to nonsense-mediated mRNA decay. As such, this alteration is classified as likely pathogenic.

NM_000465.4(BARD1):c.1568+2T>C

Gene: BARD1 (BRCA1 associated RING domain 1; minus strand). Cytogenetic location: 2q35.
Variant type: single nucleotide variant.
Coding change: c.1568+2T>C on transcript NM_000465.4 (MANE Select); the canonical splice donor site of the intron after coding-DNA position 1568, T replaced by C.
Molecular consequence: splice donor variant. On other transcripts: intron variant (3).
Genome position (GRCh38, 1-based): chr2:214,767,480, A>G on the plus strand (T>C on the coding strand, the complement: BARD1 is on the minus strand). VCF-style: chr2-214767480-A-G. GRCh37 (hg19) VCF-style: chr2-215632204-A-G.
Other names: c.159-14925T>C (NM_001282548.2); c.1511+2T>C (NM_001282543.2); c.216-14925T>C (NM_001282545.2); c.364+24817T>C (NM_001282549.2).
Identifiers: ClinVar variation 485324 (VCV000485324.7), dbSNP rs1553619196, ClinGen allele CA350448058.
Genomic context (GRCh38, chr2:214,767,480, plus strand): 5'-ACACACCTTGATTCAAGAATATAGGTCCATTTTAAAAATAATTTTTACGTTGAACTACTT[A>G]CACAGCATTTCTGGAGGCTCCATAGGAAAGTAACAGCTTGACTATATCCACATGCCCATT-3'